The following is an entry in ClinVar:

NM_001367873.1(SOX6):c.2069A>G (p.Tyr690Cys)

Gene: SOX6 (SRY-box transcription factor 6; minus strand). Cytogenetic location: 11p15.2.
Variant type: single nucleotide variant.
Coding change: c.2069A>G on transcript NM_001367873.1 (MANE Select); coding-DNA position 2069, A replaced by G.
Protein change: p.Tyr690Cys; replaces tyrosine 690 with cysteine.
Molecular consequence: missense variant.
Genome position (GRCh38, 1-based): chr11:15,986,318, T>C on the plus strand (A>G on the coding strand, the complement: SOX6 is on the minus strand). VCF-style: chr11-15986318-T-C. GRCh37 (hg19) VCF-style: chr11-16007864-T-C.
Other names: c.1988A>G, p.Tyr663Cys (NM_001145811.2, NM_017508.3); c.2069A>G, p.Tyr690Cys (NM_001145819.2); c.1946A>G, p.Tyr649Cys (NM_001367872.1); c.2009A>G, p.Tyr670Cys (NM_033326.3); short protein forms Y649C, Y663C, Y670C, Y690C.
Identifiers: ClinVar variation 4293777 (VCV004293777.1).

ClinVar aggregate classification (germline): Uncertain significance (1 of 4 stars; one submission).

Conditions:
Tolchin-Le Caignec syndrome. Also called: INTELLECTUAL DEVELOPMENTAL DISORDER WITH BEHAVIORAL ABNORMALITIES AND VARIABLE BONE DEFECTS. Identifiers: MedGen C5436509, MONDO:0033544, OMIM 618971.

Submission:

3billion
Classification: Uncertain significance for Tolchin-Le Caignec syndrome. Last evaluated: 2024-08-20. Review status: criteria provided, single submitter. Criteria: ACMG Guidelines, 2015. Collection method: clinical testing. Allele origin: germline. Affected: yes.
Comment: The variant is not observed in the gnomAD v4.0.0 dataset. Predicted Consequence/Location: Missense variant In silico tool predictions suggest damaging effect of the variant on gene or gene product [3Cnet: 0.97 (>=0.6, sensitivity 0.72 and precision 0.9)]. Therefore, this variant is classified as VUS according to the recommendation of ACMG/AMP guideline.